The following is an entry in ClinVar:

NM_003738.5(PTCH2):c.2639C>A (p.Pro880His)

Gene: PTCH2 (patched 2; minus strand). Cytogenetic location: 1p34.1.
Variant type: single nucleotide variant.
Coding change: c.2639C>A on transcript NM_003738.5 (MANE Select); coding-DNA position 2639, C replaced by A.
Protein change: p.Pro880His; replaces proline 880 with histidine.
Molecular consequence: missense variant.
Genome position (GRCh38, 1-based): chr1:44,826,958, G>T on the plus strand (C>A on the coding strand, the complement: PTCH2 is on the minus strand). VCF-style: chr1-44826958-G-T. GRCh37 (hg19) VCF-style: chr1-45292630-G-T.
Other names: c.2639C>A, p.Pro880His (NM_001166292.2); short protein forms P880H.
Identifiers: ClinVar variation 2635360 (VCV002635360.1), dbSNP rs1441105568, ClinGen allele CA340094249.

ClinVar aggregate classification (germline): Uncertain significance (1 of 4 stars; one submission).

Conditions:
PTCH2-related disorder. Also called: PTCH2-related condition; PTCH2-related disease.

Submission:

PreventionGenetics, part of Exact Sciences
Classification: Uncertain significance for PTCH2-related condition. Last evaluated: 2022-11-16. Review status: criteria provided, single submitter. Criteria: ACMG Guidelines, 2015. Collection method: clinical testing. Allele origin: germline.
Comment: The PTCH2 c.2639C>A variant is predicted to result in the amino acid substitution p.Pro880His. To our knowledge, this variant has not been reported in the literature or in a large population database, indicating this variant is rare. At this time, the clinical significance of this variant is uncertain due to the absence of conclusive functional and genetic evidence.